The following is an entry in ClinVar:

ClinVar aggregate classification (germline): Likely pathogenic (1 of 4 stars; one submission).

Conditions:
Nemaline myopathy 2 (NEM2). Also called: Nemaline myopathy 2, autosomal recessive. Identifiers: MedGen C1850569, MONDO:0009725, OMIM 256030.

Submission:

Labcorp Genetics (formerly Invitae), Labcorp
Classification: Likely pathogenic for Nemaline myopathy 2. Last evaluated: 2022-09-13. Review status: criteria provided, single submitter. Criteria: Invitae Variant Classification Sherloc (09022015). Collection method: clinical testing. Allele origin: germline.
Comment: This sequence change affects an acceptor splice site in intron 145 of the NEB gene. It is expected to disrupt RNA splicing. Variants that disrupt the donor or acceptor splice site typically lead to a loss of protein function (PMID: 16199547), and loss-of-function variants in NEB are known to be pathogenic (PMID: 25205138). This variant is not present in population databases (gnomAD no frequency). This variant has not been reported in the literature in individuals affected with NEB-related conditions. Algorithms developed to predict the effect of sequence changes on RNA splicing suggest that this variant may disrupt the consensus splice site. In summary, the currently available evidence indicates that the variant is pathogenic, but additional data are needed to prove that conclusively. Therefore, this variant has been classified as Likely Pathogenic.

Literature cited by the submitters: PubMed 16199547; PubMed 25205138.

NM_001164508.2(NEB):c.21523-1G>T

Genes: NEB (nebulin; minus strand), RIF1 (replication timing regulatory factor 1; plus strand). Cytogenetic location: 2q23.3.
Variant type: single nucleotide variant.
Coding change: c.21523-1G>T on transcript NM_001164508.2 (MANE Select); the canonical splice acceptor site of the intron before coding-DNA position 21523, G replaced by T.
Molecular consequence: splice acceptor variant.
Genome position (GRCh38, 1-based): chr2:151,531,102, C>A on the plus strand (G>T on the coding strand, the complement: NEB is on the minus strand). VCF-style: chr2-151531102-C-A. GRCh37 (hg19) VCF-style: chr2-152387616-C-A.
Other names: c.16420-1G>T (NM_004543.5); c.21523-1G>T (NM_001164507.2); c.21628-1G>T (NM_001271208.2).
Identifiers: ClinVar variation 2029051 (VCV002029051.4), dbSNP rs2552139181, ClinGen allele CA348770408.
Genomic context (GRCh38, chr2:151,531,102, plus strand): 5'-GTCGTGGATTGTGGTGTAGCCTCTGGGTTTGGCCTTGTTGTATTCCAATTTATAAAGGAT[C>A]TGAAAGATCAAAAAGCAGAAAGACATCATGTCATGCTTCTCAATGTATAATATCAAAATA-3'